The following is an entry in ClinVar:

NM_000089.4(COL1A2):c.4012C>T (p.Arg1338Cys)

Gene: COL1A2 (collagen type I alpha 2 chain; plus strand). Cytogenetic location: 7q21.3.
Variant type: single nucleotide variant.
Coding change: c.4012C>T on transcript NM_000089.4 (MANE Select); coding-DNA position 4012, C replaced by T.
Protein change: p.Arg1338Cys; replaces arginine 1338 with cysteine.
Molecular consequence: missense variant.
Genome position (GRCh38, 1-based): chr7:94,430,304, C>T. VCF-style: chr7-94430304-C-T. GRCh37 (hg19) VCF-style: chr7-94059616-C-T.
Other names: short protein forms R1338C.
Identifiers: ClinVar variation 624288 (VCV000624288.53), dbSNP rs781721538, ClinGen allele CA4347904.

ClinVar aggregate classification (germline): Uncertain significance. Review status: criteria provided, multiple submitters, no conflicts (2 of 4 stars). 6 submissions from 6 submitters: Uncertain significance (6). Last evaluated 2025-07-29.

Conditions:
Ehlers-Danlos syndrome, arthrochalasia type, 2. Also called: EHLERS-DANLOS SYNDROME, TYPE VIIB, AUTOSOMAL DOMINANT. Identifiers: MedGen CN293783, MONDO:0040501, OMIM 617821.
Osteogenesis imperfecta type I (OI1). Also called: Classic Non-deforming Osteogenesis Imperfecta with Blue Sclerae; OI, TYPE I; OSTEOGENESIS IMPERFECTA TARDA; OSTEOGENESIS IMPERFECTA WITH BLUE SCLERAE; Osteogenesis imperfecta type 1; Lobstein's Disease. Identifiers: Orphanet 216796, Orphanet 666, MedGen C0023931, MONDO:0008146, OMIM 166200. Disease mechanism: loss of function.
Ehlers-Danlos syndrome, classic type, 1 (EDSCL1). Also called: Ehlers-Danlos Syndrome, Classic Type, COL5A1-Related; EDS I; Ehlers-Danlos syndrome, type 1; EHLERS-DANLOS SYNDROME, GRAVIS TYPE; EHLERS-DANLOS SYNDROME, SEVERE CLASSIC TYPE. Identifiers: MedGen C0268335, MONDO:0019567, OMIM 130000.
Cardiovascular phenotype. Identifiers: MedGen CN230736.

Allele frequency attached by ClinVar (database versions not stated): gnomAD exomes 0.00001 and 0.00002; ExAC 0.00002; TOPMed 0.00002.
gnomAD v4.1: 23 of 1,613,912 alleles (0.0014%); highest among the groups gnomAD compares: Admixed American, 0.005%; no homozygotes.

Submissions (6):

Labcorp Genetics (formerly Invitae), Labcorp
Classification: Uncertain significance for Osteogenesis imperfecta type I; Ehlers-Danlos syndrome, classic type, 1. Last evaluated: 2025-07-29. Review status: criteria provided, single submitter. Criteria: Invitae Variant Classification Sherloc (09022015). Collection method: clinical testing. Allele origin: germline.
Comment: This sequence change replaces arginine, which is basic and polar, with cysteine, which is neutral and slightly polar, at codon 1338 of the COL1A2 protein (p.Arg1338Cys). This variant is present in population databases (rs781721538, gnomAD 0.009%). This variant has not been reported in the literature in individuals affected with COL1A2-related conditions. ClinVar contains an entry for this variant (Variation ID: 624288). Invitae Evidence Modeling of protein sequence and biophysical properties (such as structural, functional, and spatial information, amino acid conservation, physicochemical variation, residue mobility, and thermodynamic stability) indicates that this missense variant is expected to disrupt COL1A2 protein function with a positive predictive value of 95%. In summary, the available evidence is currently insufficient to determine the role of this variant in disease. Therefore, it has been classified as a Variant of Uncertain Significance.

Ambry Genetics
Classification: Uncertain significance for Cardiovascular phenotype. Last evaluated: 2025-02-06. Review status: criteria provided, single submitter. Criteria: Ambry Variant Classification Scheme 2023. Collection method: clinical testing. Allele origin: germline.
Comment: The p.R1338C variant (also known as c.4012C>T), located in coding exon 52 of the COL1A2 gene, results from a C to T substitution at nucleotide position 4012. The arginine at codon 1338 is replaced by cysteine, an amino acid with highly dissimilar properties. This variant was reported in individual(s) with features consistent with Ehlers-Danlos syndrome (Weerakkody RA et al. Genet Med, 2016 Nov;18:1119-1127). This amino acid position is highly conserved in available vertebrate species. In addition, this alteration is predicted to be deleterious by in silico analysis. Based on the available evidence, the clinical significance of this variant remains unclear.

GeneDx
Classification: Uncertain significance. Last evaluated: 2023-06-26. Review status: criteria provided, single submitter. Criteria: GeneDx Variant Classification Process June 2021. Collection method: clinical testing. Allele origin: germline. Affected: yes.
Comment: In silico analysis supports that this missense variant has a deleterious effect on protein structure/function; Observed in an Ehlers-Danlos syndrome cohort in a patient with hypermobility type or benign joint hypermobility syndrome (Weerakkody et al., 2016); Not located in the triple helical region, where the majority of pathogenic missense variants occur (HGMD); This variant is associated with the following publications: (PMID: 27011056)

Blueprint Genetics
Classification: Uncertain significance. Last evaluated: 2021-12-27. Review status: criteria provided, single submitter. Criteria: ACMG Guidelines, 2015. Collection method: clinical testing. Allele origin: germline.

Genomic Medicine Lab, University of California San Francisco
Classification: Uncertain significance for Ehlers-Danlos syndrome, arthrochalasia type, 2. Last evaluated: 2020-01-09. Review status: criteria provided, single submitter. Criteria: ACMG Guidelines, 2015. Collection method: clinical testing. Allele origin: paternal. Inheritance: Autosomal dominant inheritance. Affected: yes. Study: CSER-P3EGS.

CeGaT Center for Human Genetics Tuebingen
Classification: Uncertain significance. Last evaluated: 2018-08-01. Review status: criteria provided, single submitter. Criteria: CeGaT Center For Human Genetics Tuebingen Variant Classification Criteria Version 2. Collection method: clinical testing. Allele origin: germline. Affected: yes. Observed: 1 variant allele.

Literature cited by the submitters: PubMed 27011056 (cited by Ambry Genetics).